The following is an entry in ClinVar:

ClinVar aggregate classification (germline): Likely benign. Review status: criteria provided, multiple submitters, no conflicts (2 of 4 stars). 2 submissions from 2 submitters: Likely benign (2). Last evaluated 2024-01-11.

Conditions:
Congenital myotonia, autosomal recessive form. Also called: BECKER DISEASE; myotonia congenita, autosomal recessive; Becker Generalized Myotonia. Identifiers: Orphanet 614, MedGen C0751360, MONDO:0009715, OMIM 255700.
Congenital myotonia, autosomal dominant form (THD). Also called: Myotonia congenita autosomal dominant; THOMSEN DISEASE. Identifiers: Orphanet 614, MedGen C2936781, MONDO:0008055, OMIM 160800.
Batten-Turner congenital myopathy. Also called: Myotonia congenita; Congenital myotonia. Identifiers: Orphanet 206973, MedGen C0027127, MONDO:0100468, OMIM 255300.

Allele frequency attached by ClinVar (database versions not stated): gnomAD 0.00001; gnomAD exomes 0.00005 and 0.00011; ExAC 0.00014.
gnomAD v4.1: 149 of 1,574,976 alleles (0.0095%); highest among the groups gnomAD compares: East Asian, 0.34%; no homozygotes.

Submissions (2):

Labcorp Genetics (formerly Invitae), Labcorp
Classification: Likely benign for Congenital myotonia, autosomal recessive form; Congenital myotonia, autosomal dominant form. Last evaluated: 2024-01-11. Review status: criteria provided, single submitter. Criteria: Invitae Variant Classification Sherloc (09022015). Collection method: clinical testing. Allele origin: germline.

Illumina Laboratory Services, Illumina
Classification: Likely benign for Myotonia congenita. Last evaluated: 2017-04-27. Review status: criteria provided, single submitter. Criteria: ICSL Variant Classification Criteria 13 December 2019. Collection method: clinical testing. Allele origin: germline.
Comment: This variant was observed as part of a predisposition screen in an ostensibly healthy population. A literature search was performed for the gene, cDNA change, and amino acid change (where applicable). Publications were found based on this search. The evidence from the literature, in combination with allele frequency data from public databases where available, was sufficient to determine this variant is unlikely to cause disease. Therefore, this variant is classified as likely benign.

Literature cited by the submitters: PubMed 10215406 (cited by Illumina Laboratory Services, Illumina).

NM_000083.3(CLCN1):c.2124C>T (p.Phe708=)

Gene: CLCN1 (chloride voltage-gated channel 1; plus strand). Cytogenetic location: 7q34.
Variant type: single nucleotide variant.
Coding change: c.2124C>T on transcript NM_000083.3 (MANE Select); coding-DNA position 2124, C replaced by T.
Protein change: p.Phe708=; no amino-acid change (phenylalanine 708 retained).
Molecular consequence: synonymous variant. On other transcripts: non-coding transcript variant (1).
Genome position (GRCh38, 1-based): chr7:143,345,714, C>T. VCF-style: chr7-143345714-C-T. GRCh37 (hg19) VCF-style: chr7-143042807-C-T.
Identifiers: ClinVar variation 359116 (VCV000359116.13), dbSNP rs769811983, ClinGen allele CA4537549.